The following is an entry in ClinVar:

ClinVar aggregate classification (germline): Conflicting classifications of pathogenicity. Review status: criteria provided, conflicting classifications (1 of 4 stars). 7 submissions from 7 submitters: Uncertain significance (4); Benign (1); Likely benign (1). 1 of the submissions does not count toward it. Last evaluated 2026-01-27.

Conditions:
Neurofibromatosis, type 1 (NF1). Also called: VON RECKLINGHAUSEN DISEASE; NEUROFIBROMATOSIS, TYPE I, SOMATIC; Peripheral type neurofibromatosis; Neurofibromatosis, type I. Identifiers: Orphanet 636, MedGen C0027831, MONDO:0018975, OMIM 162200. Disease mechanism: loss of function.
Cardiovascular phenotype. Identifiers: MedGen CN230736.
Hereditary cancer-predisposing syndrome. Also called: Neoplastic Syndromes, Hereditary; Hereditary Cancer Syndrome; Tumor predisposition; Hereditary neoplastic syndrome. Identifiers: Orphanet 140162, MedGen C0027672, MeSH D009386, MONDO:0015356.

Allele frequency attached by ClinVar (database versions not stated): gnomAD exomes 0.00002 and 0.00001; TOPMed 0.00001; ExAC 0.00002; gnomAD 0.00002.
gnomAD v4.1: 20 of 1,612,126 alleles (0.0012%); highest among the groups gnomAD compares: South Asian, 0.0022%; no homozygotes.

Submissions (7):

Labcorp Genetics (formerly Invitae), Labcorp
Classification: Benign for Neurofibromatosis, type 1. Last evaluated: 2026-01-27. Review status: criteria provided, single submitter. Criteria: Invitae Variant Classification Sherloc (09022015). Collection method: clinical testing. Allele origin: germline.

GeneDx
Classification: Uncertain significance. Last evaluated: 2024-11-15. Review status: criteria provided, single submitter. Criteria: GeneDx Variant Classification Process June 2021. Collection method: clinical testing. Allele origin: germline. Affected: yes.
Comment: Observed in at least two individuals with clinical histories consistent with Neurofibromatosis type 1; however, both of these individuals also harbored pathogenic NF1 variants (PMID: 15060124, 19076627); In silico analysis supports that this missense variant has a deleterious effect on protein structure/function; This variant is associated with the following publications: (PMID: 15060124, 24803665, 15994866, 22090377, 19076627, 15863657, 25486365, 2121369)

Ambry Genetics
Classification: Uncertain significance for Cardiovascular phenotype; Hereditary cancer-predisposing syndrome. Last evaluated: 2022-11-22. Review status: criteria provided, single submitter. Criteria: Ambry Variant Classification Scheme 2023. Collection method: clinical testing. Allele origin: germline.

Institute for Clinical Genetics, University Hospital TU Dresden, University Hospital TU Dresden
Classification: Uncertain significance. Last evaluated: 2021-11-03. Review status: criteria provided, single submitter. Criteria: ACMG Guidelines, 2015. Collection method: clinical testing. Allele origin: germline.

Blueprint Genetics
Classification: Likely benign. Last evaluated: 2021-10-06. Review status: criteria provided, single submitter. Criteria: ACMG Guidelines, 2015. Collection method: clinical testing. Allele origin: germline.

Mendelics
Classification: Uncertain significance for Neurofibromatosis, type 1. Last evaluated: 2019-05-28. Review status: criteria provided, single submitter. Criteria: Mendelics Assertion Criteria 2017. Collection method: clinical testing. Allele origin: unknown.

UniProtKB/Swiss-Prot
No classification provided. Review status: no classification provided. Collection method: not provided. Allele origin: not provided. Not counted in ClinVar's aggregate classification.

NM_001042492.3(NF1):c.2617C>T (p.Arg873Cys)

Gene: NF1 (neurofibromin 1; plus strand). Cytogenetic location: 17q11.2.
Variant type: single nucleotide variant.
Coding change: c.2617C>T on transcript NM_001042492.3 (MANE Select); coding-DNA position 2617, C replaced by T.
Protein change: p.Arg873Cys; replaces arginine 873 with cysteine.
Molecular consequence: missense variant.
Genome position (GRCh38, 1-based): chr17:31,229,232, C>T. VCF-style: chr17-31229232-C-T. GRCh37 (hg19) VCF-style: chr17-29556250-C-T.
Other names: c.2617C>T, p.Arg873Cys (NM_000267.4); short protein forms R873C.
Identifiers: ClinVar variation 68325 (VCV000068325.24), dbSNP rs199474739, ClinGen allele CA219485.